The following is an entry in ClinVar:

Conditions:
Breast-ovarian cancer, familial, susceptibility to, 1 (BROVCA1). Also called: BRCA1 Hereditary Breast and Ovarian Cancer; OVARIAN CANCER, SUSCEPTIBILITY TO. Identifiers: Orphanet 145, MedGen C2676676, MONDO:0011450, OMIM 604370. Disease mechanism: loss of function.

Submission:

Brotman Baty Institute, University of Washington
No classification provided (evidence only). Condition: Breast-ovarian cancer, familial 1. Review status: no classification provided. Collection method: in vitro. Allele origin: not applicable. Functional consequence: functionally_normal.
ClinVar note: "not provided" was previously submitted as the classification for the variant. However, the classification appeared to be based only on an observation of functional data so it was converted to no classification on 2025-07-30.

NM_007294.4(BRCA1):c.5170A>G (p.Lys1724Glu)

Gene: BRCA1 (BRCA1 DNA repair associated; minus strand). Cytogenetic location: 17q21.31.
Variant type: single nucleotide variant.
Coding change: c.5170A>G on transcript NM_007294.4 (MANE Select); coding-DNA position 5170, A replaced by G.
Protein change: p.Lys1724Glu; replaces lysine 1724 with glutamic acid.
Molecular consequence: missense variant. On other transcripts: non-coding transcript variant (1).
Genome position (GRCh38, 1-based): chr17:43,063,356, T>C on the plus strand (A>G on the coding strand, the complement: BRCA1 is on the minus strand). VCF-style: chr17-43063356-T-C. GRCh37 (hg19) VCF-style: chr17-41215373-T-C.
Other names: c.4957A>G, p.Lys1653Glu (NM_001407571.1, NM_001407900.1, NM_001407902.1 and 12 more transcripts); c.5236A>G, p.Lys1746Glu (NM_001407581.1, NM_001407582.1); c.5233A>G, p.Lys1745Glu (NM_001407583.1, NM_001407585.1, NM_001407587.1 and 1 more transcripts); c.5167A>G, p.Lys1723Glu (NM_001407610.1, NM_001407611.1, NM_001407612.1 and 17 more transcripts); c.5164A>G, p.Lys1722Glu (NM_001407629.1, NM_001407630.1, NM_001407631.1 and 14 more transcripts); c.5110A>G, p.Lys1704Glu (NM_001407649.1); c.5092A>G, p.Lys1698Glu (NM_001407652.1, NM_001407653.1, NM_001407654.1 and 1 more transcripts); c.5089A>G, p.Lys1697Glu (NM_001407656.1, NM_001407657.1, NM_001407658.1); and 72 more; short protein forms K1677E, K1724E, K1745E, K620E, K1570E, K1595E, K1611E, K1612E.
Identifiers: ClinVar variation 867434 (VCV000867434.3), dbSNP rs2051863875, ClinGen allele CA10591205.
Genomic context (GRCh38, chr17:43,063,356, plus strand): 5'-GAATATCTCTGGTTAGTTTGTAACATCAAGTACTTACCTCATTCAGCATTTTTCTTTCTT[T>C]AATAGACTGGGTCACCCCTAAAGAGATCATAGAAAAGACAGGTTACATACAGCAGAAGAA-3'
Protein context (NP_009225.1, residues 1714-1734): VSYFWVTQSI[Lys1724Glu]ERKMLNEHDF